The following is an entry in ClinVar:

ClinVar aggregate classification (germline): Likely benign (1 of 4 stars; one submission).

Allele frequency attached by ClinVar (database versions not stated): gnomAD 0.00133; 1000 Genomes Project 0.00140; TOPMed 0.00142; 1000 Genomes Project 30x 0.00156; ESP Exome Variant Server 0.00161; ExAC 0.00192.
gnomAD v4.1: 2,729 of 1,614,124 alleles (0.17%); highest among the groups gnomAD compares: Middle Eastern, 1.6%; 11 homozygotes.

Submissions (6):

CeGaT Center for Human Genetics Tuebingen
Classification: Likely benign. Last evaluated: 2023-03-01. Review status: criteria provided, single submitter. Criteria: CeGaT Center For Human Genetics Tuebingen Variant Classification Criteria Version 2. Collection method: clinical testing. Allele origin: germline. Affected: yes. Observed: 1 variant allele.
Comment: RPP30: BP4, BS2

Dr. Peter K. Rogan Lab, Western University
No classification provided (evidence only). Condition: Cholangiocarcinoma. Review status: no classification provided. Collection method: in vitro. Allele origin: not applicable. Functional consequence: retained intron. Not counted in ClinVar's aggregate classification.

Dr. Peter K. Rogan Lab, Western University
No classification provided (evidence only). Condition: Ovarian serous cystadenocarcinoma. Review status: no classification provided. Collection method: in vitro. Allele origin: not applicable. Functional consequence: retained intron. Not counted in ClinVar's aggregate classification.

Dr. Peter K. Rogan Lab, Western University
No classification provided (evidence only). Condition: Ovarian serous cystadenocarcinoma. Review status: no classification provided. Collection method: in vitro. Allele origin: not applicable. Functional consequence: retained intron. Not counted in ClinVar's aggregate classification.

Dr. Peter K. Rogan Lab, Western University
No classification provided (evidence only). Condition: Ovarian serous cystadenocarcinoma. Review status: no classification provided. Collection method: in vitro. Allele origin: not applicable. Functional consequence: retained intron. Not counted in ClinVar's aggregate classification.

Dr. Peter K. Rogan Lab, Western University
No classification provided (evidence only). Condition: Gastric cancer. Review status: no classification provided. Collection method: in vitro. Allele origin: not applicable. Functional consequence: retained intron. Not counted in ClinVar's aggregate classification.

NM_006413.5(RPP30):c.32C>T (p.Ala11Val)

Genes: RPP30 (ribonuclease P/MRP subunit p30; plus strand), LOC111982879 (Sharpr-MPRA regulatory region 7939; plus strand). Cytogenetic location: 10q23.31.
Variant type: single nucleotide variant.
Coding change: c.32C>T on transcript NM_006413.5 (MANE Select); coding-DNA position 32, C replaced by T.
Protein change: p.Ala11Val; replaces alanine 11 with valine.
Molecular consequence: missense variant.
Genome position (GRCh38, 1-based): chr10:90,872,018, C>T. VCF-style: chr10-90872018-C-T. GRCh37 (hg19) VCF-style: chr10-92631775-C-T.
Other names: NC_000010.10:g.92631775C>T; c.32C>T, p.Ala11Val (NM_001104546.2); short protein forms A11V.
Identifiers: ClinVar variation 2640672 (VCV002640672.25), dbSNP rs41286916, ClinGen allele CA5598135.